The following is an entry in ClinVar:

ClinVar aggregate classification (germline): Uncertain significance (1 of 4 stars; one submission).

Conditions:
Glycogen storage disease, type II (IOPD). Also called: Glucosidase acid-1,4-alpha deficiency; Pompe Disease; Glycogen storage disease type 2; Acid maltase deficiency disease; Aglucosidase alfa; Deficiency of alpha-glucosidase. Identifiers: Orphanet 365, MedGen C0017921, MONDO:0009290, OMIM 232300.

Allele frequency attached by ClinVar (database versions not stated): gnomAD 0.00001; TOPMed 0.00001.
gnomAD v4.1: 6 of 1,613,466 alleles (0.00037%); highest among the groups gnomAD compares: Non-Finnish European, 0.00051%; no homozygotes.

Submission:

Labcorp Genetics (formerly Invitae), Labcorp
Classification: Uncertain significance for Glycogen storage disease, type II. Last evaluated: 2021-08-01. Review status: criteria provided, single submitter. Criteria: Invitae Variant Classification Sherloc (09022015). Collection method: clinical testing. Allele origin: germline.
Comment: In summary, the available evidence is currently insufficient to determine the role of this variant in disease. Therefore, it has been classified as a Variant of Uncertain Significance. Advanced modeling of protein sequence and biophysical properties (such as structural, functional, and spatial information, amino acid conservation, physicochemical variation, residue mobility, and thermodynamic stability) performed at Invitae indicates that this missense variant is not expected to disrupt GAA protein function. This variant has not been reported in the literature in individuals affected with GAA-related conditions. This variant is not present in population databases (ExAC no frequency). This sequence change replaces valine with isoleucine at codon 321 of the GAA protein (p.Val321Ile). The valine residue is moderately conserved and there is a small physicochemical difference between valine and isoleucine.

NM_000152.5(GAA):c.961G>A (p.Val321Ile)

Gene: GAA (alpha glucosidase; plus strand). Cytogenetic location: 17q25.3.
Variant type: single nucleotide variant.
Coding change: c.961G>A on transcript NM_000152.5 (MANE Select); coding-DNA position 961, G replaced by A.
Protein change: p.Val321Ile; replaces valine 321 with isoleucine.
Molecular consequence: missense variant.
Genome position (GRCh38, 1-based): chr17:80,108,295, G>A. VCF-style: chr17-80108295-G-A. GRCh37 (hg19) VCF-style: chr17-78082094-G-A.
Other names: c.961G>A, p.Val321Ile (NM_001079803.3, NM_001079804.3); short protein forms V321I.
Identifiers: ClinVar variation 1467377 (VCV001467377.6), dbSNP rs895612400, ClinGen allele CA294891725.